The following is an entry in ClinVar:

ClinVar aggregate classification (germline): Uncertain significance (1 of 4 stars; one submission).

Conditions:
Emery-Dreifuss muscular dystrophy 5, autosomal dominant (EDMD5). Also called: EMERY-DREIFUSS MUSCULAR DYSTROPHY 5. Identifiers: Orphanet 261, MedGen C2751805, MONDO:0013072, OMIM 612999.

Submission:

Labcorp Genetics (formerly Invitae), Labcorp
Classification: Uncertain significance for Emery-Dreifuss muscular dystrophy 5, autosomal dominant. Last evaluated: 2022-07-06. Review status: criteria provided, single submitter. Criteria: Invitae Variant Classification Sherloc (09022015). Collection method: clinical testing. Allele origin: germline.
Comment: This sequence change replaces serine, which is neutral and polar, with threonine, which is neutral and polar, at codon 4142 of the SYNE2 protein (p.Ser4142Thr). This variant is not present in population databases (gnomAD no frequency). This variant has not been reported in the literature in individuals affected with SYNE2-related conditions. Algorithms developed to predict the effect of missense changes on protein structure and function (SIFT, PolyPhen-2, Align-GVGD) all suggest that this variant is likely to be tolerated. In summary, the available evidence is currently insufficient to determine the role of this variant in disease. Therefore, it has been classified as a Variant of Uncertain Significance.

NM_182914.3(SYNE2):c.12424T>A (p.Ser4142Thr)

Gene: SYNE2 (spectrin repeat containing nuclear envelope protein 2; plus strand). Cytogenetic location: 14q23.2.
Variant type: single nucleotide variant.
Coding change: c.12424T>A on transcript NM_182914.3 (MANE Select); coding-DNA position 12424, T replaced by A.
Protein change: p.Ser4142Thr; replaces serine 4142 with threonine.
Molecular consequence: missense variant.
Genome position (GRCh38, 1-based): chr14:64,101,974, T>A. VCF-style: chr14-64101974-T-A. GRCh37 (hg19) VCF-style: chr14-64568692-T-A.
Other names: c.12424T>A, p.Ser4142Thr (NM_015180.6); short protein forms S4142T.
Identifiers: ClinVar variation 1974463 (VCV001974463.5), dbSNP rs2548892869, ClinGen allele CA389954067.